The following is an entry in ClinVar:

NM_001290043.2(TAP2):c.609-1G>T

Genes: TAP2 (transporter 2, ATP binding cassette subfamily B member; minus strand), LOC107648851 (meiotic recombination hotspot TAP2; plus strand). Cytogenetic location: 6p21.32.
Variant type: single nucleotide variant.
Coding change: c.609-1G>T on transcript NM_001290043.2 (MANE Select); the canonical splice acceptor site of the intron before coding-DNA position 609, G replaced by T.
Molecular consequence: splice acceptor variant.
Genome position (GRCh38, 1-based): chr6:32,835,774, C>A on the plus strand (G>T on the coding strand, the complement: TAP2 is on the minus strand). VCF-style: chr6-32835774-C-A. GRCh37 (hg19) VCF-style: chr6-32803551-C-A.
Other names: c.609-1G>T (NM_018833.3).
Identifiers: ClinVar variation 4726289 (VCV004726289.1).

ClinVar aggregate classification (germline): Likely pathogenic (1 of 4 stars; one submission).

Conditions:
MHC class I deficiency. Identifiers: Orphanet 34592, MedGen C6024714, MONDO:0011476.

Submission:

Labcorp Genetics (formerly Invitae), Labcorp
Classification: Likely pathogenic for MHC class I deficiency 1. Last evaluated: 2025-09-05. Review status: criteria provided, single submitter. Criteria: Invitae Variant Classification Sherloc (09022015). Collection method: clinical testing. Allele origin: germline.
Comment: This sequence change affects an acceptor splice site in intron 3 of the TAP2 gene. It is expected to disrupt RNA splicing. Variants that disrupt the donor or acceptor splice site typically lead to a loss of protein function (PMID: 16199547), and loss-of-function variants in TAP2 are known to be pathogenic (PMID: 7517574, 11529920, 12067308, 23662797). This variant is not present in population databases (gnomAD no frequency). This variant has not been reported in the literature in individuals affected with TAP2-related conditions. Algorithms developed to predict the effect of sequence changes on RNA splicing suggest that this variant may disrupt the consensus splice site. In summary, the currently available evidence indicates that the variant is pathogenic, but additional data are needed to prove that conclusively. Therefore, this variant has been classified as Likely Pathogenic.

Literature cited by the submitters: PubMed 16199547; PubMed 7517574; PubMed 11529920; PubMed 12067308; PubMed 23662797.